The following is an entry in ClinVar:

NM_001943.5(DSG2):c.808C>A (p.Pro270Thr)

Gene: DSG2 (desmoglein 2; plus strand). Cytogenetic location: 18q12.1.
Variant type: single nucleotide variant.
Coding change: c.808C>A on transcript NM_001943.5 (MANE Select); coding-DNA position 808, C replaced by A.
Protein change: p.Pro270Thr; replaces proline 270 with threonine.
Molecular consequence: missense variant.
Genome position (GRCh38, 1-based): chr18:31,524,565, C>A. VCF-style: chr18-31524565-C-A. GRCh37 (hg19) VCF-style: chr18-29104528-C-A.
Other names: short protein forms P270T.
Identifiers: ClinVar variation 2775214 (VCV002775214.2), dbSNP rs1188981091, ClinGen allele CA402135243.

ClinVar aggregate classification (germline): Uncertain significance (1 of 4 stars; one submission).

Conditions:
Cardiomyopathy (CMYO). Also called: Cardiomyopathies. Identifiers: Orphanet 167848, MedGen C0878544, MONDO:0004994, HP:0001638. Inheritance: Various modes of inheritance.

Allele frequency attached by ClinVar (database versions not stated): gnomAD exomes below 0.00001.
gnomAD v4.1: 1 of 1,613,930 alleles (0.000062%); highest among the groups gnomAD compares: Non-Finnish European, 0.000085%; no homozygotes.

Submission:

Color Diagnostics, LLC DBA Color Health
Classification: Uncertain significance for Cardiomyopathy. Last evaluated: 2022-11-16. Review status: criteria provided, single submitter. Criteria: ACMG Guidelines, 2015. Collection method: clinical testing. Allele origin: germline.
Comment: This missense variant replaces proline with threonine at codon 270 of the DSG2 protein. Computational prediction suggests that this variant may have deleterious impact on protein structure and function (internally defined REVEL score threshold >= 0.7, PMID: 27666373). To our knowledge, functional studies have not been reported for this variant. This variant has not been reported in individuals affected with DSG2-related disorders in the literature. This variant has not been identified in the general population by the Genome Aggregation Database (gnomAD). The available evidence is insufficient to determine the role of this variant in disease conclusively. Therefore, this variant is classified as a Variant of Uncertain Significance.